The following is an entry in ClinVar:

NM_000383.4(AIRE):c.652+2T>C

Gene: AIRE (autoimmune regulator; plus strand). Cytogenetic location: 21q22.3.
Variant type: single nucleotide variant.
Coding change: c.652+2T>C on transcript NM_000383.4 (MANE Select); the canonical splice donor site of the intron after coding-DNA position 652, T replaced by C.
Molecular consequence: splice donor variant.
Genome position (GRCh38, 1-based): chr21:44,288,460, T>C. VCF-style: chr21-44288460-T-C. GRCh37 (hg19) VCF-style: chr21-45708343-T-C.
Identifiers: ClinVar variation 556272 (VCV000556272.11), dbSNP rs1555872272, ClinGen allele CA410424291.

ClinVar aggregate classification (germline): Likely pathogenic. Review status: criteria provided, multiple submitters, no conflicts (2 of 4 stars). 3 submissions from 3 submitters: Likely pathogenic (2). 1 of the submissions does not count toward it. Last evaluated 2024-01-08.

Conditions:
Polyglandular autoimmune syndrome, type 1 (APS1). Also called: Autoimmune polyendocrine syndrome type 1; Autoimmune polyendocrinopathy syndrome , type I, with or without reversible metaphyseal dysplasia; HYPOADRENOCORTICISM WITH HYPOPARATHYROIDISM AND SUPERFICIAL MONILIASIS; PGA I; AUTOIMMUNE POLYENDOCRINE SYNDROME, TYPE I, WITH OR WITHOUT REVERSIBLE METAPHYSEAL DYSPLASIA; APS I. Identifiers: Orphanet 3453, MedGen C0085859, MONDO:0009411, OMIM 240300.

Allele frequency attached by ClinVar (database versions not stated): gnomAD exomes below 0.00001.
gnomAD v4.1: 1 of 1,591,430 alleles (0.000063%); highest among the groups gnomAD compares: South Asian, 0.0011%; no homozygotes.

Submissions (3):

Labcorp Genetics (formerly Invitae), Labcorp
Classification: Likely pathogenic for Polyglandular autoimmune syndrome, type 1. Last evaluated: 2024-01-08. Review status: criteria provided, single submitter. Criteria: Invitae Variant Classification Sherloc (09022015). Collection method: clinical testing. Allele origin: germline.
Comment: This sequence change affects a donor splice site in intron 5 of the AIRE gene. It is expected to disrupt RNA splicing. Variants that disrupt the donor or acceptor splice site typically lead to a loss of protein function (PMID: 16199547), and loss-of-function variants in AIRE are known to be pathogenic (PMID: 11524731, 26141571). This variant is not present in population databases (gnomAD no frequency). This variant has not been reported in the literature in individuals affected with AIRE-related conditions. ClinVar contains an entry for this variant (Variation ID: 556272). Algorithms developed to predict the effect of sequence changes on RNA splicing suggest that this variant may disrupt the consensus splice site. In summary, the currently available evidence indicates that the variant is pathogenic, but additional data are needed to prove that conclusively. Therefore, this variant has been classified as Likely Pathogenic.

Neuberg Centre For Genomic Medicine, NCGM
Classification: Likely pathogenic for Polyglandular autoimmune syndrome, type 1. Review status: criteria provided, single submitter. Criteria: ACMG Guidelines, 2015. Collection method: clinical testing. Allele origin: germline. Inheritance: Autosomal recessive inheritance. Affected: yes.
Comment: The splice site this sequence change affects a donor splice site in intron 5 of the AIRE gene. It is expected to disrupt RNA splicing and likely results in an absent or disrupted protein product. This variant has been reported previously in homozygous and compound heterozygous state. The variant is novel (not in any individuals) in 1000 Genomes and in gnomAD. This variant has been reported to the ClinVar database as Likely pathogenic. Donor and acceptor splice site variants typically lead to a loss of protein function (Baralle D et al), and loss-of-function variants in AIRE are known to be pathogenic (Kisand K et al). The nucleotide change in AIRE is predicted as conserved by GERP++ and PhyloP across 100 vertebrates. The variant is novel (not in any individuals) in gnomAD Exomes and 1000 Genomes. For these reasons, this variant has been classified as Likely Pathogenic. In the absence of another reportable variant the molecular diagnosis is not confirmed.

Counsyl
Classification: Likely pathogenic for Polyglandular autoimmune syndrome, type 1. Last evaluated: 2018-01-23. Review status: no assertion criteria provided. Collection method: clinical testing. Allele origin: unknown. Not counted in ClinVar's aggregate classification.

Literature cited by the submitters: PubMed 16199547 (cited by Labcorp Genetics (formerly Invitae), Labcorp); PubMed 11524731 (cited by Labcorp Genetics (formerly Invitae), Labcorp); PubMed 26141571 (cited by Labcorp Genetics (formerly Invitae), Labcorp).